The following is an entry in ClinVar:

NM_000553.6(WRN):c.1408G>T (p.Asp470Tyr)

Gene: WRN (WRN RecQ like helicase; plus strand). Cytogenetic location: 8p12.
Variant type: single nucleotide variant.
Coding change: c.1408G>T on transcript NM_000553.6 (MANE Select); coding-DNA position 1408, G replaced by T.
Protein change: p.Asp470Tyr; replaces aspartic acid 470 with tyrosine.
Molecular consequence: missense variant.
Genome position (GRCh38, 1-based): chr8:31,085,223, G>T. VCF-style: chr8-31085223-G-T. GRCh37 (hg19) VCF-style: chr8-30942739-G-T.
Other names: short protein forms D470Y.
Identifiers: ClinVar variation 574470 (VCV000574470.8), dbSNP rs759321856, ClinGen allele CA4704349.

ClinVar aggregate classification (germline): Uncertain significance. Review status: criteria provided, multiple submitters, no conflicts (2 of 4 stars). 2 submissions from 2 submitters: Uncertain significance (2). Last evaluated 2023-12-31.

Conditions:
Werner syndrome (WRN). Identifiers: Orphanet 902, MedGen C0043119, MONDO:0010196, OMIM 277700.

Allele frequency attached by ClinVar (database versions not stated): gnomAD exomes below 0.00001 and 0.00001; TOPMed below 0.00001; ExAC 0.00001.
gnomAD v4.1: 8 of 1,612,536 alleles (0.0005%); highest among the groups gnomAD compares: South Asian, 0.0011%; no homozygotes.

Submissions (2):

Fulgent Genetics
Classification: Uncertain significance for Werner syndrome. Last evaluated: 2023-12-31. Review status: criteria provided, single submitter. Criteria: ACMG Guidelines, 2015. Collection method: clinical testing. Allele origin: germline.

Labcorp Genetics (formerly Invitae), Labcorp
Classification: Uncertain significance for Werner syndrome. Last evaluated: 2023-11-06. Review status: criteria provided, single submitter. Criteria: Invitae Variant Classification Sherloc (09022015). Collection method: clinical testing. Allele origin: germline.
Comment: This sequence change replaces aspartic acid, which is acidic and polar, with tyrosine, which is neutral and polar, at codon 470 of the WRN protein (p.Asp470Tyr). This variant is present in population databases (rs759321856, gnomAD 0.003%). This variant has not been reported in the literature in individuals affected with WRN-related conditions. ClinVar contains an entry for this variant (Variation ID: 574470). An algorithm developed to predict the effect of missense changes on protein structure and function (PolyPhen-2) suggests that this variant is likely to be disruptive. In summary, the available evidence is currently insufficient to determine the role of this variant in disease. Therefore, it has been classified as a Variant of Uncertain Significance.